The following is an entry in ClinVar:

NM_194248.3(OTOF):c.5193-3del

Gene: OTOF (otoferlin; minus strand). Cytogenetic location: 2p23.3.
Variant type: Deletion.
Coding change: c.5193-3del on transcript NM_194248.3 (MANE Select); 3 bases into the intron before coding-DNA position 5193, one base deleted (C; older notation c.5193-3delC).
Molecular consequence: intron variant.
Genome position (GRCh38, 1-based): chr2:26,462,184, G deleted on the plus strand (C on the coding strand, the reverse complement: OTOF is on the minus strand); the first of 3 consecutive G bases (chr2:26,462,184-26,462,186); deleting any one gives the same sequence. VCF-style (leftmost placement, unchanged base first): chr2-26462183-TG-T. GRCh37 (hg19) VCF-style: chr2-26685051-TG-T.
Other names: c.5193-3del (NM_001287489.2); c.2892-3del (NM_194323.3, NM_004802.4); c.3123-3del (NM_194322.3).
Identifiers: ClinVar variation 2663099 (VCV002663099.4), dbSNP rs1664499681, ClinGen allele CA1028605362.

ClinVar aggregate classification (germline): Conflicting classifications of pathogenicity. Review status: criteria provided, conflicting classifications (1 of 4 stars). 2 submissions from 2 submitters: Uncertain significance (1); Likely benign (1). Last evaluated 2024-02-29.

Submissions (2):

Labcorp Genetics (formerly Invitae), Labcorp
Classification: Likely benign. Last evaluated: 2024-02-29. Review status: criteria provided, single submitter. Criteria: Invitae Variant Classification Sherloc (09022015). Collection method: clinical testing. Allele origin: germline.

GeneDx
Classification: Uncertain significance. Last evaluated: 2023-05-08. Review status: criteria provided, single submitter. Criteria: GeneDx Variant Classification Process June 2021. Collection method: clinical testing. Allele origin: germline. Affected: yes.
Comment: Not observed at significant frequency in large population cohorts (gnomAD); In silico analysis is inconclusive as to whether the variant alters gene splicing. In the absence of RNA/functional studies, the actual effect of this sequence change is unknown.; Has not been previously published as pathogenic or benign to our knowledge